The following is an entry in ClinVar:

ClinVar aggregate classification (germline): Likely pathogenic (1 of 4 stars; one submission).

Conditions:
Spermatogenic failure 89 (SPGF89). Identifiers: MedGen C5882752, MONDO:0958206, OMIM 620705.

gnomAD v4.1: 19 of 1,588,030 alleles (0.0012%); highest among the groups gnomAD compares: Middle Eastern, 0.034%; no homozygotes.

Submission:

First Genomix Gene Laboratory, Genetic Diagnostics Department
Classification: Likely pathogenic for Spermatogenic failure 89. Last evaluated: 2025-03-27. Review status: criteria provided, single submitter. Criteria: ACMG Guidelines, 2015. Collection method: clinical testing. Allele origin: germline. Inheritance: Autosomal recessive inheritance. Affected: no. Observed: 1 variant allele.

NM_001145128.3(AK9):c.3225+1G>A

Gene: AK9 (adenylate kinase 9; minus strand). Cytogenetic location: 6q21.
Variant type: single nucleotide variant.
Coding change: c.3225+1G>A on transcript NM_001145128.3 (MANE Select); the canonical splice donor site of the intron after coding-DNA position 3225, G replaced by A.
Molecular consequence: splice donor variant.
Genome position (GRCh38, 1-based): chr6:109,545,866, C>T on the plus strand (G>A on the coding strand, the complement: AK9 is on the minus strand). VCF-style: chr6-109545866-C-T. GRCh37 (hg19) VCF-style: chr6-109867069-C-T.
Identifiers: ClinVar variation 4845845 (VCV004845845.1).